The following is an entry in ClinVar:

ClinVar aggregate classification (germline): Conflicting classifications of pathogenicity. Review status: criteria provided, conflicting classifications (1 of 4 stars). 2 submissions from 2 submitters: Uncertain significance (1); Likely benign (1). Last evaluated 2025-12-04.

Conditions:
Hereditary cancer-predisposing syndrome. Also called: Neoplastic Syndromes, Hereditary; Hereditary neoplastic syndrome; Hereditary Cancer Syndrome; Tumor predisposition. Identifiers: Orphanet 140162, MedGen C0027672, MeSH D009386, MONDO:0015356.
Cardiovascular phenotype. Identifiers: MedGen CN230736.

gnomAD v4.1: 3 of 1,577,396 alleles (0.00019%); highest among the groups gnomAD compares: Non-Finnish European, 0.00017%; no homozygotes.

Submissions (2):

Ambry Genetics
Classification: Uncertain significance for Cardiovascular phenotype; Hereditary cancer-predisposing syndrome. Last evaluated: 2025-12-04. Review status: criteria provided, single submitter. Criteria: Ambry Variant Classification Scheme 2023. Collection method: clinical testing. Allele origin: germline.
Comment: The c.1450-5C>T intronic variant results from a C to T substitution 5 nucleotides upstream from coding exon 14 in the LZTR1 gene. This nucleotide position is not well conserved in available vertebrate species. In silico splice site analysis predicts that this alteration will not have any significant effect on splicing; however, direct evidence is insufficient at this time (Ambry internal data). Since supporting evidence is limited at this time, the clinical significance of this alteration remains unclear.

Labcorp Genetics (formerly Invitae), Labcorp
Classification: Likely benign. Last evaluated: 2025-10-10. Review status: criteria provided, single submitter. Criteria: Invitae Variant Classification Sherloc (09022015). Collection method: clinical testing. Allele origin: germline.

NM_006767.4(LZTR1):c.1450-5C>T

Gene: LZTR1 (leucine zipper like post translational regulator 1; plus strand). Cytogenetic location: 22q11.21.
Variant type: single nucleotide variant.
Coding change: c.1450-5C>T on transcript NM_006767.4 (MANE Select); 5 bases into the intron before coding-DNA position 1450, C replaced by T.
Molecular consequence: intron variant.
Genome position (GRCh38, 1-based): chr22:20,994,099, C>T. VCF-style: chr22-20994099-C-T. GRCh37 (hg19) VCF-style: chr22-21348388-C-T.
Identifiers: ClinVar variation 1628660 (VCV001628660.11), dbSNP rs760733168, ClinGen allele CA2573157822.